The following is an entry in ClinVar:

NM_001364905.1(LRBA):c.8067C>A (p.Val2689=)

Gene: LRBA (LPS responsive beige-like anchor protein; minus strand). Cytogenetic location: 4q31.3.
Variant type: single nucleotide variant.
Coding change: c.8067C>A on transcript NM_001364905.1 (MANE Select); coding-DNA position 8067, C replaced by A.
Protein change: p.Val2689=; no amino-acid change (valine 2689 retained).
Molecular consequence: synonymous variant.
Genome position (GRCh38, 1-based): chr4:150,285,985, G>T on the plus strand (C>A on the coding strand, the complement: LRBA is on the minus strand). VCF-style: chr4-150285985-G-T. GRCh37 (hg19) VCF-style: chr4-151207137-G-T.
Other names: c.8064C>A, p.Val2688= (NM_001199282.3); c.8082C>A, p.Val2694= (NM_001367550.1); c.8100C>A, p.Val2700= (NM_006726.5).
Identifiers: ClinVar variation 2013283 (VCV002013283.4), dbSNP rs1364163157, ClinGen allele CA441760146.

ClinVar aggregate classification (germline): Uncertain significance (1 of 4 stars; one submission).

Conditions:
Combined immunodeficiency due to LRBA deficiency. Also called: Common variable immunodeficiency 8, with autoimmunity. Identifiers: Orphanet 445018, MedGen C3553512, MONDO:0013863, OMIM 614700.

Allele frequency attached by ClinVar (database versions not stated): gnomAD exomes below 0.00001.
gnomAD v4.1: 3 of 1,598,080 alleles (0.00019%); highest among the groups gnomAD compares: Non-Finnish European, 0.00026%; no homozygotes.

Submission:

Labcorp Genetics (formerly Invitae), Labcorp
Classification: Uncertain significance for Combined immunodeficiency due to LRBA deficiency. Last evaluated: 2022-07-02. Review status: criteria provided, single submitter. Criteria: Invitae Variant Classification Sherloc (09022015). Collection method: clinical testing. Allele origin: germline.
Comment: This sequence change affects codon 2700 of the LRBA mRNA. It is a 'silent' change, meaning that it does not change the encoded amino acid sequence of the LRBA protein. In summary, the available evidence is currently insufficient to determine the role of this variant in disease. Therefore, it has been classified as a Variant of Uncertain Significance. Algorithms developed to predict the effect of sequence changes on RNA splicing suggest that this variant may create or strengthen a splice site. This variant has not been reported in the literature in individuals affected with LRBA-related conditions. This variant is not present in population databases (gnomAD no frequency).